The following is an entry in ClinVar:

ClinVar aggregate classification (germline): Likely benign. Review status: criteria provided, multiple submitters, no conflicts (2 of 4 stars). 3 submissions from 3 submitters: Likely benign (2). 1 of the submissions does not count toward it. Last evaluated 2024-06-26.

Conditions:
BBS2-related disorder. Also called: BBS2-related disorders; BBS2-related condition. Identifiers: MedGen CN239228.
Bardet-Biedl syndrome 2 (BBS2). Identifiers: Orphanet 110, MedGen C2936863, MONDO:0014432, OMIM 615981.
Retinitis pigmentosa 74 (RP74). Identifiers: Orphanet 791, MedGen C4225281, MONDO:0014692, OMIM 616562.
Bardet-Biedl syndrome (BBS). Identifiers: Orphanet 110, MedGen C0752166, MONDO:0015229.

Allele frequency attached by ClinVar (database versions not stated): gnomAD exomes below 0.00001 and 0.00002; TOPMed below 0.00001; ExAC 0.00001.
gnomAD v4.1: 30 of 1,608,944 alleles (0.0019%); highest among the groups gnomAD compares: Non-Finnish European, 0.0026%; no homozygotes.

Submissions (3):

Labcorp Genetics (formerly Invitae), Labcorp
Classification: Likely benign for Bardet-Biedl syndrome. Last evaluated: 2024-06-26. Review status: criteria provided, single submitter. Criteria: Invitae Variant Classification Sherloc (09022015). Collection method: clinical testing. Allele origin: germline.

Fulgent Genetics
Classification: Likely benign for Bardet-Biedl syndrome 2; Retinitis pigmentosa 74. Last evaluated: 2022-02-11. Review status: criteria provided, single submitter. Criteria: ACMG Guidelines, 2015. Collection method: clinical testing. Allele origin: unknown.

PreventionGenetics, part of Exact Sciences
Classification: Likely benign for BBS2-related condition. Last evaluated: 2022-01-07. Review status: no assertion criteria provided. Collection method: clinical testing. Allele origin: germline. Not counted in ClinVar's aggregate classification.
Comment: This variant is classified as likely benign based on ACMG/AMP sequence variant interpretation guidelines (Richards et al. 2015 PMID: 25741868, with internal and published modifications).

NM_031885.5(BBS2):c.117+7G>A

Gene: BBS2 (Bardet-Biedl syndrome 2; minus strand). Cytogenetic location: 16q13.
Variant type: single nucleotide variant.
Coding change: c.117+7G>A on transcript NM_031885.5 (MANE Select); 7 bases into the intron after coding-DNA position 117, G replaced by A.
Molecular consequence: intron variant.
Genome position (GRCh38, 1-based): chr16:56,519,739, C>T on the plus strand (G>A on the coding strand, the complement: BBS2 is on the minus strand). VCF-style: chr16-56519739-C-T. GRCh37 (hg19) VCF-style: chr16-56553651-C-T.
Other names: c.117+7G>A (NM_001377456.1, NM_031885.3).
Identifiers: ClinVar variation 1141547 (VCV001141547.12), dbSNP rs780862523, ClinGen allele CA8066134.
Genomic context (GRCh38, chr16:56,519,739, plus strand): 5'-GGGGCGCGGCCGGCGGAGATCCTGTGGTTCCCTGGGGCCCGGGCTCCCTGCGGGTGGGAG[C>T]GGTTACCTTGCCCGTTTGGGTGGCGGCCGCCAGGCACGGGTGAGTCCCGTCGTAGCGCCC-3'